The following is an entry in ClinVar:

NM_001134363.3(RBM20):c.676G>A (p.Ala226Thr)

Gene: RBM20 (RNA binding motif protein 20; plus strand). Cytogenetic location: 10q25.2.
Variant type: single nucleotide variant.
Coding change: c.676G>A on transcript NM_001134363.3 (MANE Select); coding-DNA position 676, G replaced by A.
Protein change: p.Ala226Thr; replaces alanine 226 with threonine.
Molecular consequence: missense variant.
Genome position (GRCh38, 1-based): chr10:110,781,285, G>A. VCF-style: chr10-110781285-G-A. GRCh37 (hg19) VCF-style: chr10-112541043-G-A.
Other names: c.676G>A (NM_001134363.1); short protein forms A226T.
Identifiers: ClinVar variation 1051356 (VCV001051356.13), dbSNP rs1033220280, ClinGen allele CA213234787.

ClinVar aggregate classification (germline): Conflicting classifications of pathogenicity. Review status: criteria provided, conflicting classifications (1 of 4 stars). 6 submissions from 6 submitters: Uncertain significance (5); Likely benign (1). Last evaluated 2024-07-24.

Conditions:
Cardiovascular phenotype. Identifiers: MedGen CN230736.
Dilated cardiomyopathy 1DD (CMD1DD). Identifiers: Orphanet 154, MedGen C2750995, MONDO:0013168, OMIM 613172.

Allele frequency attached by ClinVar (database versions not stated): gnomAD exomes below 0.00001; gnomAD 0.00001.
gnomAD v4.1: 4 of 1,551,594 alleles (0.00026%); highest among the groups gnomAD compares: Non-Finnish European, 0.00035%; no homozygotes.

Submissions (6):

Ambry Genetics
Classification: Likely benign for Cardiovascular phenotype. Last evaluated: 2024-07-24. Review status: criteria provided, single submitter. Criteria: Ambry Variant Classification Scheme 2023. Collection method: clinical testing. Allele origin: germline.

GeneDx
Classification: Uncertain significance. Last evaluated: 2024-06-12. Review status: criteria provided, single submitter. Criteria: GeneDx Variant Classification Process June 2021. Collection method: clinical testing. Allele origin: germline. Affected: yes.
Comment: Has not been previously published as pathogenic or benign to our knowledge; Not observed at significant frequency in large population cohorts (gnomAD); In silico analysis indicates that this missense variant does not alter protein structure/function

Women's Health and Genetics/Laboratory Corporation of America, LabCorp
Classification: Uncertain significance. Last evaluated: 2023-10-19. Review status: criteria provided, single submitter. Criteria: LabCorp Variant Classification Summary - May 2015. Collection method: clinical testing. Allele origin: germline.

Labcorp Genetics (formerly Invitae), Labcorp
Classification: Uncertain significance for Dilated cardiomyopathy 1DD. Last evaluated: 2022-01-01. Review status: criteria provided, single submitter. Criteria: Invitae Variant Classification Sherloc (09022015). Collection method: clinical testing. Allele origin: germline.
Comment: This sequence change replaces alanine, which is neutral and non-polar, with threonine, which is neutral and polar, at codon 226 of the RBM20 protein (p.Ala226Thr). This variant is present in population databases (no rsID available, gnomAD 0.001%). This variant has not been reported in the literature in individuals affected with RBM20-related conditions. ClinVar contains an entry for this variant (Variation ID: 1051356). Advanced modeling of protein sequence and biophysical properties (such as structural, functional, and spatial information, amino acid conservation, physicochemical variation, residue mobility, and thermodynamic stability) performed at Invitae indicates that this missense variant is not expected to disrupt RBM20 protein function. In summary, the available evidence is currently insufficient to determine the role of this variant in disease. Therefore, it has been classified as a Variant of Uncertain Significance.

Fulgent Genetics
Classification: Uncertain significance for Dilated cardiomyopathy 1DD. Last evaluated: 2021-08-21. Review status: criteria provided, single submitter. Criteria: ACMG Guidelines, 2015. Collection method: clinical testing. Allele origin: unknown.

Center for Genomics, Ann and Robert H. Lurie Children's Hospital of Chicago
Classification: Uncertain significance for Dilated cardiomyopathy 1DD. Last evaluated: 2021-03-30. Review status: criteria provided, single submitter. Criteria: ACMG Guidelines, 2015. Collection method: clinical testing. Allele origin: germline.
Comment: RBM20 NM_001134363.2 exon 2 p.Ala226Thr (c.676G>A): This variant has not been reported in the literature but is present in 1/15004 European alleles in the Genome Aggregation Database. This variant amino acid Threonine (Thr) is present in several species and is not well conserved among evolutionarily distant species; this suggests that this variant may not impact the protein. Additional computational prediction tools do not suggest an impact. In summary, data on this variant is insufficient for disease classification. Therefore, the clinical significance of this variant is uncertain.